The following is an entry in ClinVar:

NM_016180.5(SLC45A2):c.1145C>T (p.Ser382Leu)

Gene: SLC45A2 (solute carrier family 45 member 2; minus strand). Cytogenetic location: 5p13.2.
Variant type: single nucleotide variant.
Coding change: c.1145C>T on transcript NM_016180.5 (MANE Select); coding-DNA position 1145, C replaced by T.
Protein change: p.Ser382Leu; replaces serine 382 with leucine.
Molecular consequence: missense variant. On other transcripts: 3 prime UTR variant (1).
Genome position (GRCh38, 1-based): chr5:33,951,565, G>A on the plus strand (C>T on the coding strand, the complement: SLC45A2 is on the minus strand). VCF-style: chr5-33951565-G-A. GRCh37 (hg19) VCF-style: chr5-33951670-G-A.
Other names: c.1145C>T, p.Ser382Leu (NM_001012509.4); c.*87C>T (NM_001297417.4); short protein forms S382L.
Identifiers: ClinVar variation 2443413 (VCV002443413.5), dbSNP rs2478790901, ClinGen allele CA359389683.

ClinVar aggregate classification (germline): Conflicting classifications of pathogenicity. Review status: criteria provided, conflicting classifications (1 of 4 stars). 3 submissions from 3 submitters: Likely pathogenic (1); Uncertain significance (2). Last evaluated 2023-04-12.

Conditions:
SLC45A2-related disorder. Also called: SLC45A2-related condition.

Allele frequency attached by ClinVar (database versions not stated): gnomAD exomes below 0.00001.

Submissions (3):

Labcorp Genetics (formerly Invitae), Labcorp
Classification: Uncertain significance. Last evaluated: 2023-04-12. Review status: criteria provided, single submitter. Criteria: Invitae Variant Classification Sherloc (09022015). Collection method: clinical testing. Allele origin: germline.
Comment: In summary, the available evidence is currently insufficient to determine the role of this variant in disease. Therefore, it has been classified as a Variant of Uncertain Significance. Advanced modeling of protein sequence and biophysical properties (such as structural, functional, and spatial information, amino acid conservation, physicochemical variation, residue mobility, and thermodynamic stability) performed at Invitae indicates that this missense variant is not expected to disrupt SLC45A2 protein function. ClinVar contains an entry for this variant (Variation ID: 2443413). This missense change has been observed in individual(s) with oculocutaneous albinism (Invitae). This variant is not present in population databases (gnomAD no frequency). This sequence change replaces serine, which is neutral and polar, with leucine, which is neutral and non-polar, at codon 382 of the SLC45A2 protein (p.Ser382Leu).

GeneDx
Classification: Uncertain significance. Last evaluated: 2022-09-09. Review status: criteria provided, single submitter. Criteria: GeneDx Variant Classification Process June 2021. Collection method: clinical testing. Allele origin: germline. Affected: yes.
Comment: Not observed at significant frequency in large population cohorts (gnomAD); In silico analysis supports that this missense variant has a deleterious effect on protein structure/function; Has not been previously published as pathogenic or benign to our knowledge

Blueprint Genetics
Classification: Likely pathogenic for SLC45A2-related disorders. Last evaluated: 2021-01-28. Review status: criteria provided, single submitter. Criteria: ACMG Guidelines, 2015. Collection method: clinical testing. Allele origin: germline. Affected: yes. Observed: 2 variant alleles.